The following is an entry in ClinVar:

NM_001297595.2(SIN3B):c.1119C>T (p.Phe373=)

Gene: SIN3B (SIN3 transcription regulator family member B; plus strand). Cytogenetic location: 19p13.11.
Variant type: single nucleotide variant.
Coding change: c.1119C>T on transcript NM_001297595.2 (MANE Select); coding-DNA position 1119, C replaced by T.
Protein change: p.Phe373=; no amino-acid change (phenylalanine 373 retained).
Molecular consequence: synonymous variant.
Genome position (GRCh38, 1-based): chr19:16,862,412, C>T. VCF-style: chr19-16862412-C-T. GRCh37 (hg19) VCF-style: chr19-16973223-C-T.
Other names: c.1119C>T, p.Phe373= (NM_015260.4).
Identifiers: ClinVar variation 3898105 (VCV003898105.7).
Genomic context (GRCh38, chr19:16,862,412, plus strand): 5'-GAAATTTCCAGAACTCTTTGCACAGTTCAAGTCCTTCCTGGGGGTAAAAGAGCTGTCCTT[C>T]GCGCCACCCATGAGCGACAGATCCGGGGACGGGATAAGCCGGGAAATTGATTATGCATCC-3'
Protein context (NP_001284524.1, residues 363-383): KSFLGVKELS[Phe373=]APPMSDRSGD

ClinVar aggregate classification (germline): Likely benign (1 of 4 stars; one submission).

gnomAD v4.1: 5,071 of 1,614,128 alleles (0.31%); highest among the groups gnomAD compares: Non-Finnish European, 0.39%; 13 homozygotes.

Submission:

CeGaT Center for Human Genetics Tuebingen
Classification: Likely benign. Last evaluated: 2026-09-01. Review status: criteria provided, single submitter. Criteria: CeGaT Center For Human Genetics Tuebingen Variant Classification Criteria Version 2. Collection method: clinical testing. Allele origin: germline. Affected: yes. Observed: 8 variant alleles.
Comment: SIN3B: BP4, BP7, BS2